The following is an entry in ClinVar:

ClinVar aggregate classification (germline): Uncertain significance (1 of 4 stars; one submission).

Conditions:
TTN-related disorder. Also called: TTN-related disorders; TTN-related condition; TTN-related disease.

gnomAD v4.1: 6 of 1,610,618 alleles (0.00037%); highest among the groups gnomAD compares: East Asian, 0.0045%; no homozygotes.

Submission:

PreventionGenetics, part of Exact Sciences
Classification: Uncertain significance for TTN-related condition. Last evaluated: 2026-02-09. Review status: criteria provided, single submitter. Criteria: ACMG Guidelines, 2015. Collection method: clinical testing. Allele origin: germline.
Comment: The TTN c.23915G>A variant is predicted to result in the amino acid substitution p.Cys7972Tyr. To our knowledge, this variant has not been reported in the literature. This variant is reported in 0.0056% of alleles in individuals of East Asian descent in gnomAD. At this time, the clinical significance of this variant is uncertain due to the absence of conclusive functional and genetic evidence.

NM_001267550.2(TTN):c.23915G>A (p.Cys7972Tyr)

Gene: TTN (titin; minus strand). Cytogenetic location: 2q31.2.
Variant type: single nucleotide variant.
Coding change: c.23915G>A on transcript NM_001267550.2 (MANE Select); coding-DNA position 23915, G replaced by A.
Protein change: p.Cys7972Tyr; replaces cysteine 7972 with tyrosine.
Molecular consequence: missense variant. On other transcripts: intron variant (3).
Genome position (GRCh38, 1-based): chr2:178,719,577, C>T on the plus strand (G>A on the coding strand, the complement: TTN is on the minus strand). VCF-style: chr2-178719577-C-T. GRCh37 (hg19) VCF-style: chr2-179584304-C-T.
Other names: c.22964G>A, p.Cys7655Tyr (NM_001256850.1); c.20183G>A, p.Cys6728Tyr (NM_133378.4); c.13282+18505G>A (NM_003319.4); c.13858+18505G>A (NM_133437.4); c.13657+18505G>A (NM_133432.3); short protein forms C7655Y, C7972Y, C6728Y.
Identifiers: ClinVar variation 4989552 (VCV004989552.1).